The following is an entry in ClinVar:

NM_002444.3(MSN):c.1064A>G (p.Glu355Gly)

Gene: MSN (moesin; plus strand). Cytogenetic location: Xq12.
Variant type: single nucleotide variant.
Coding change: c.1064A>G on transcript NM_002444.3 (MANE Select); coding-DNA position 1064, A replaced by G.
Protein change: p.Glu355Gly; replaces glutamic acid 355 with glycine.
Molecular consequence: missense variant.
Genome position (GRCh38, 1-based): chrX:65,736,899, A>G. VCF-style: chrX-65736899-A-G. GRCh37 (hg19) VCF-style: chrX-64956761-A-G.
Other names: short protein forms E355G.
Identifiers: ClinVar variation 2820804 (VCV002820804.3), dbSNP rs2523016744, ClinGen allele CA413413162.

ClinVar aggregate classification (germline): Uncertain significance (1 of 4 stars; one submission).

Allele frequency attached by ClinVar (database versions not stated): gnomAD exomes below 0.00001.
gnomAD v4.1: 1 of 1,205,325 alleles (0.000083%); highest among the groups gnomAD compares: Non-Finnish European, 0.00011%; no homozygotes.

Submission:

Labcorp Genetics (formerly Invitae), Labcorp
Classification: Uncertain significance. Last evaluated: 2025-11-11. Review status: criteria provided, single submitter. Criteria: Invitae Variant Classification Sherloc (09022015). Collection method: clinical testing. Allele origin: germline.
Comment: This sequence change replaces glutamic acid, which is acidic and polar, with glycine, which is neutral and non-polar, at codon 355 of the MSN protein (p.Glu355Gly). This variant is not present in population databases (gnomAD no frequency). This variant has not been reported in the literature in individuals affected with MSN-related conditions. ClinVar contains an entry for this variant (Variation ID: 2820804). An algorithm developed to predict the effect of missense changes on protein structure and function (PolyPhen-2) suggests that this variant is likely to be disruptive. In summary, the available evidence is currently insufficient to determine the role of this variant in disease. Therefore, it has been classified as a Variant of Uncertain Significance.